The following is an entry in ClinVar:

NC_000007.13:g.(?_92754520)_(92764207_?)del

Gene: SAMD9L (sterile alpha motif domain containing 9 like; minus strand). Cytogenetic location: 7q21.2.
Variant type: Deletion.
Identifiers: ClinVar variation 2427403 (VCV002427403.4).

ClinVar aggregate classification (germline): Uncertain significance (1 of 4 stars; one submission).

Submission:

Labcorp Genetics (formerly Invitae), Labcorp
Classification: Uncertain significance. Last evaluated: 2022-07-16. Review status: criteria provided, single submitter. Criteria: Invitae Variant Classification Sherloc (09022015). Collection method: clinical testing. Allele origin: germline.
Comment: This variant results in the deletion of part of exon 5 (c.1078_*6010delinsTT) of the SAMD9L gene. While this deletion is not anticipated to lead to nonsense mediated decay, it is expected to alter mRNA translation or result in a truncated protein product. This variant has not been reported in the literature in individuals affected with SAMD9L-related conditions. In summary, the available evidence is currently insufficient to determine the role of this variant in disease. Therefore, it has been classified as a Variant of Uncertain Significance.